The following is an entry in ClinVar:

NM_000051.4(ATM):c.3402+1G>T

Gene: ATM (ATM serine/threonine kinase; plus strand). Cytogenetic location: 11q22.3.
Variant type: single nucleotide variant.
Coding change: c.3402+1G>T on transcript NM_000051.4 (MANE Select); the canonical splice donor site of the intron after coding-DNA position 3402, G replaced by T.
Molecular consequence: splice donor variant.
Genome position (GRCh38, 1-based): chr11:108,279,609, G>T. VCF-style: chr11-108279609-G-T. GRCh37 (hg19) VCF-style: chr11-108150336-G-T.
Other names: c.3402+1G>T (NM_001351834.2).
Identifiers: ClinVar variation 960913 (VCV000960913.9), dbSNP rs1565439606, ClinGen allele CA382517892.

ClinVar aggregate classification (germline): Likely pathogenic. Review status: criteria provided, multiple submitters, no conflicts (2 of 4 stars). 2 submissions from 2 submitters: Likely pathogenic (2). Last evaluated 2024-01-22.

Conditions:
Familial cancer of breast. Also called: Hereditary breast cancer; BREAST CANCER, FAMILIAL; hereditary breast carcinoma. Identifiers: Orphanet 227535, MedGen C0346153, MONDO:0016419, OMIM 114480. Disease mechanism: loss of function.
Ataxia-telangiectasia syndrome (AT). Also called: AT, COMPLEMENTATION GROUP C; Ataxia telangiectasia (A-T); Cerebello-oculocutaneous telangiectasia; Immunodeficiency with ataxia telangiectasia; LOUIS-BAR SYNDROME; Ataxia-telangiectasia. Identifiers: Orphanet 100, MedGen C0004135, MONDO:0008840, OMIM 208900.

Submissions (2):

Myriad Genetics, Inc.
Classification: Likely pathogenic for Familial cancer of breast. Last evaluated: 2024-01-22. Review status: criteria provided, single submitter. Criteria: Myriad Autosomal Dominant, Autosomal Recessive and X-Linked Classification Criteria (2023). Collection method: clinical testing. Allele origin: unknown.
Comment: This variant is considered likely pathogenic. This variant occurs within a consensus splice junction and is predicted to result in abnormal mRNA splicing of either an out-of-frame exon or an in-frame exon necessary for protein stability and/or normal function.

Labcorp Genetics (formerly Invitae), Labcorp
Classification: Likely pathogenic for Ataxia-telangiectasia syndrome. Last evaluated: 2022-03-23. Review status: criteria provided, single submitter. Criteria: Invitae Variant Classification Sherloc (09022015). Collection method: clinical testing. Allele origin: germline.
Comment: In summary, the currently available evidence indicates that the variant is pathogenic, but additional data are needed to prove that conclusively. Therefore, this variant has been classified as Likely Pathogenic. Algorithms developed to predict the effect of sequence changes on RNA splicing suggest that this variant may disrupt the consensus splice site. ClinVar contains an entry for this variant (Variation ID: 960913). This variant has not been reported in the literature in individuals affected with ATM-related conditions. This variant is not present in population databases (gnomAD no frequency). This sequence change affects a donor splice site in intron 23 of the ATM gene. It is expected to disrupt RNA splicing. Variants that disrupt the donor or acceptor splice site typically lead to a loss of protein function (PMID: 16199547), and loss-of-function variants in ATM are known to be pathogenic (PMID: 23807571, 25614872).

Literature cited by the submitters: PubMed 16199547 (cited by Labcorp Genetics (formerly Invitae), Labcorp); PubMed 23807571 (cited by Labcorp Genetics (formerly Invitae), Labcorp); PubMed 25614872 (cited by Labcorp Genetics (formerly Invitae), Labcorp).